The following is an entry in ClinVar:

NM_001164665.2(KIAA1549):c.536C>G (p.Thr179Arg)

Gene: KIAA1549 (KIAA1549; minus strand). Cytogenetic location: 7q34.
Variant type: single nucleotide variant.
Coding change: c.536C>G on transcript NM_001164665.2 (MANE Select); coding-DNA position 536, C replaced by G.
Protein change: p.Thr179Arg; replaces threonine 179 with arginine.
Molecular consequence: missense variant.
Genome position (GRCh38, 1-based): chr7:138,919,090, G>C on the plus strand (C>G on the coding strand, the complement: KIAA1549 is on the minus strand). VCF-style: chr7-138919090-G-C. GRCh37 (hg19) VCF-style: chr7-138603836-G-C.
Other names: c.536C>G, p.Thr179Arg (NM_020910.3); short protein forms T179R.
Identifiers: ClinVar variation 1467717 (VCV001467717.7), dbSNP rs771595820, ClinGen allele CA4506926.
Genomic context (GRCh38, chr7:138,919,090, plus strand): 5'-GGTAATGATGGAGTGAGCATAGGTTCTAATGCTTCCCTGGGCAGCCCTGGTGGGCTGACT[G>C]TGATATACTGTATTGGAGAAACCATCCGTGGAGTGGTCCAGTGAGTATCTGGCAGAAAGT-3'
Protein context (NP_001158137.1, residues 169-189): PRMVSPIQYI[Thr179Arg]VSPPGLPREA

ClinVar aggregate classification (germline): Uncertain significance. Review status: criteria provided, multiple submitters, no conflicts (2 of 4 stars). 2 submissions from 2 submitters: Uncertain significance (2). Last evaluated 2025-02-03.

Allele frequency attached by ClinVar (database versions not stated): gnomAD 0.00002; TOPMed 0.00002; ExAC 0.00006; gnomAD exomes 0.00006.
gnomAD v4.1: 57 of 1,613,884 alleles (0.0035%); highest among the groups gnomAD compares: Non-Finnish European, 0.0047%; no homozygotes.

Submissions (2):

Labcorp Genetics (formerly Invitae), Labcorp
Classification: Uncertain significance. Last evaluated: 2025-02-03. Review status: criteria provided, single submitter. Criteria: Invitae Variant Classification Sherloc (09022015). Collection method: clinical testing. Allele origin: germline.
Comment: This sequence change replaces threonine, which is neutral and polar, with arginine, which is basic and polar, at codon 179 of the KIAA1549 protein (p.Thr179Arg). This variant is present in population databases (rs771595820, gnomAD 0.01%). This variant has not been reported in the literature in individuals affected with KIAA1549-related conditions. ClinVar contains an entry for this variant (Variation ID: 1467717). An algorithm developed to predict the effect of missense changes on protein structure and function (PolyPhen-2) suggests that this variant is likely to be tolerated. In summary, the available evidence is currently insufficient to determine the role of this variant in disease. Therefore, it has been classified as a Variant of Uncertain Significance.

Blueprint Genetics
Classification: Uncertain significance. Last evaluated: 2021-12-22. Review status: criteria provided, single submitter. Criteria: ACMG Guidelines, 2015. Collection method: clinical testing. Allele origin: germline.